The following is an entry in ClinVar:

ClinVar aggregate classification (germline): Uncertain significance (1 of 4 stars; one submission).

Submission:

GeneDx
Classification: Uncertain significance. Last evaluated: 2023-05-28. Review status: criteria provided, single submitter. Criteria: GeneDx Variant Classification Process June 2021. Collection method: clinical testing. Allele origin: germline. Affected: yes.
Comment: Not observed at significant frequency in large population cohorts (gnomAD); In silico analysis supports that this missense variant has a deleterious effect on protein structure/function; Missense variants in this gene are often considered pathogenic (HGMD); This substitution is predicted to be within the transmembrane segment S6 of the second homologous domain; Has not been previously published as pathogenic or benign to our knowledge

NM_001040142.2(SCN2A):c.2927A>C (p.Asn976Thr)

Gene: SCN2A (sodium voltage-gated channel alpha subunit 2; plus strand). Cytogenetic location: 2q24.3.
Variant type: single nucleotide variant.
Coding change: c.2927A>C on transcript NM_001040142.2 (MANE Select); coding-DNA position 2927, A replaced by C.
Protein change: p.Asn976Thr; replaces asparagine 976 with threonine.
Molecular consequence: missense variant.
Genome position (GRCh38, 1-based): chr2:165,354,199, A>C. VCF-style: chr2-165354199-A-C. GRCh37 (hg19) VCF-style: chr2-166210709-A-C.
Other names: c.2927A>C, p.Asn976Thr (NM_001040143.2, NM_001371246.1, NM_001371247.1 and 1 more transcripts); short protein forms N976T.
Identifiers: ClinVar variation 3362068 (VCV003362068.1).
Genomic context (GRCh38, chr2:165,354,199, plus strand): 5'-GCAATTGAAGCAATAGAATGTTTTGATCACCTGTTTTTCCTGCTGTGTTTCAGGTTCTGA[A>C]CCTCTTCTTGGCCTTGCTTTTGAGTTCCTTCAGTTCTGACAATCTTGCTGCCACTGATGA-3'
Protein context (NP_001035232.1, residues 966-986): VMVIGNLVVL[Asn976Thr]LFLALLLSSF